The following is an entry in ClinVar:

ClinVar aggregate classification (germline): Likely pathogenic (1 of 4 stars; one submission).

Submission:

GeneDx
Classification: Likely pathogenic. Last evaluated: 2023-01-12. Review status: criteria provided, single submitter. Criteria: GeneDx Variant Classification Process June 2021. Collection method: clinical testing. Allele origin: germline. Affected: yes.
Comment: Canonical splice site variant expected to result in aberrant splicing, although in the absence of functional evidence the actual effect of this sequence change is unknown.; Not observed at significant frequency in large population cohorts (gnomAD); Has not been previously published as pathogenic or benign to our knowledge

NM_017433.5(MYO3A):c.168+1G>T

Gene: MYO3A (myosin IIIA; plus strand). Cytogenetic location: 10p12.1.
Variant type: single nucleotide variant.
Coding change: c.168+1G>T on transcript NM_017433.5 (MANE Select); the canonical splice donor site of the intron after coding-DNA position 168, G replaced by T.
Molecular consequence: splice donor variant.
Genome position (GRCh38, 1-based): chr10:25,952,279, G>T. VCF-style: chr10-25952279-G-T. GRCh37 (hg19) VCF-style: chr10-26241208-G-T.
Other names: c.168+1G>T (NM_001368265.1).
Identifiers: ClinVar variation 2572843 (VCV002572843.1), dbSNP rs777866495, ClinGen allele CA376331667.